The following is an entry in ClinVar:

ClinVar aggregate classification (germline): Pathogenic (1 of 4 stars; one submission).

Conditions:
Autosomal recessive mendelian susceptibility to mycobacterial diseases due to complete RORgamma receptor deficiency. Also called: Immunodeficiency 42. Identifiers: Orphanet 477857, MedGen C5567647, MONDO:0014710, OMIM 616622.

Submission:

Labcorp Genetics (formerly Invitae), Labcorp
Classification: Pathogenic for Autosomal recessive mendelian susceptibility to mycobacterial diseases due to complete RORgamma receptor deficiency. Last evaluated: 2025-06-03. Review status: criteria provided, single submitter. Criteria: Invitae Variant Classification Sherloc (09022015). Collection method: clinical testing. Allele origin: germline.
Comment: This sequence change creates a premature translational stop signal (p.Tyr330*) in the RORC gene. It is expected to result in an absent or disrupted protein product. Loss-of-function variants in RORC are known to be pathogenic (PMID: 26160376). This variant is not present in population databases (gnomAD no frequency). This variant has not been reported in the literature in individuals affected with RORC-related conditions. Algorithms developed to predict the effect of sequence changes on RNA splicing suggest that this variant may disrupt the consensus splice site. For these reasons, this variant has been classified as Pathogenic.

Literature cited by the submitters: PubMed 26160376.

NM_005060.4(RORC):c.990C>A (p.Tyr330Ter)

Gene: RORC (RAR related orphan receptor C; minus strand). Cytogenetic location: 1q21.3.
Variant type: single nucleotide variant.
Coding change: c.990C>A on transcript NM_005060.4 (MANE Select); coding-DNA position 990, C replaced by A.
Protein change: p.Tyr330Ter; replaces tyrosine 330 with a stop codon.
Molecular consequence: nonsense.
Genome position (GRCh38, 1-based): chr1:151,813,564, G>T on the plus strand (C>A on the coding strand, the complement: RORC is on the minus strand). VCF-style: chr1-151813564-G-T. GRCh37 (hg19) VCF-style: chr1-151786040-G-T.
Other names: c.927C>A, p.Tyr309Ter (NM_001001523.2); short protein forms Y309*, Y330*.
Identifiers: ClinVar variation 4720711 (VCV004720711.1).
Genomic context (GRCh38, chr1:151,813,564, plus strand): 5'-AATCTGGTCATTCTGGCAGAGCTCCATAAAGCCTGAGAGCCTCTTGGCGAACTCCACCAC[G>T]TACTGAATGGCCTCGGTGAGGTGGTGGGCACACCGTTCCCACATCTCCCACATGGACTGC-3'